The following is an entry in ClinVar:

ClinVar aggregate classification (germline): Uncertain significance (1 of 4 stars; one submission).

Conditions:
Nemaline myopathy 2 (NEM2). Also called: Nemaline myopathy 2, autosomal recessive. Identifiers: MedGen C1850569, MONDO:0009725, OMIM 256030.

Submission:

Labcorp Genetics (formerly Invitae), Labcorp
Classification: Uncertain significance for Nemaline myopathy 2. Last evaluated: 2026-01-04. Review status: criteria provided, single submitter. Criteria: Invitae Variant Classification Sherloc (09022015). Collection method: clinical testing. Allele origin: germline.
Comment: This sequence change replaces methionine, which is neutral and non-polar, with valine, which is neutral and non-polar, at codon 1246 of the NEB protein (p.Met1246Val). This variant is not present in population databases (gnomAD no frequency). This variant has not been reported in the literature in individuals affected with NEB-related conditions. Experimental studies and prediction algorithms are not available or were not evaluated, and the functional significance of this variant is currently unknown. In summary, the available evidence is currently insufficient to determine the role of this variant in disease. Therefore, it has been classified as a Variant of Uncertain Significance.

NM_001164508.2(NEB):c.3736A>G (p.Met1246Val)

Gene: NEB (nebulin; minus strand). Cytogenetic location: 2q23.3.
Variant type: single nucleotide variant.
Coding change: c.3736A>G on transcript NM_001164508.2 (MANE Select); coding-DNA position 3736, A replaced by G.
Protein change: p.Met1246Val; replaces methionine 1246 with valine.
Molecular consequence: missense variant.
Genome position (GRCh38, 1-based): chr2:151,677,603, T>C on the plus strand (A>G on the coding strand, the complement: NEB is on the minus strand). VCF-style: chr2-151677603-T-C. GRCh37 (hg19) VCF-style: chr2-152534117-T-C.
Other names: c.3736A>G, p.Met1246Val (NM_001164507.2, NM_001271208.2, NM_004543.5); short protein forms M1246V.
Identifiers: ClinVar variation 4730857 (VCV004730857.1).
Genomic context (GRCh38, chr2:151,677,603, plus strand): 5'-CTCTCTATTTTATTGTACTCACATCACTGACTTGCTTCGTGTTCTGTTTTGCCTGGACCA[T>C]AACTGGGGAGTCCACAATGCTGGTAAATTTGAGGGTGTCTGGATGTTGCCTGTACTTCTT-3'
Protein context (NP_001157980.2, residues 1236-1256): KFTSIVDSPV[Met1246Val]VQAKQNTKQV